The following is an entry in ClinVar:

NM_004415.4(DSP):c.5664_5667del (p.Ser1888fs)

Gene: DSP (desmoplakin; plus strand). Cytogenetic location: 6p24.3.
Variant type: Deletion.
Coding change: c.5664_5667del on transcript NM_004415.4 (MANE Select); coding-DNA positions 5664 to 5667, 4 bases deleted (TGAG; older notation c.5664_5667delTGAG).
Protein change: p.Ser1888fs; shifts the reading frame from serine 1888.
Molecular consequence: frameshift variant.
Genome position (GRCh38, 1-based): chr6:7,582,926-7,582,929, TGAG deleted; deleting any 4 consecutive bases within chr6:7,582,923-7,582,929 gives the same sequence; the c. name uses the placement nearest the transcript's 3' end. VCF-style (leftmost placement, unchanged base first): chr6-7582922-AGAGT-A. GRCh37 (hg19) VCF-style: chr6-7583155-AGAGT-A.
Other names: c.5664_5667delTGAG (NM_004415.3); c.3867_3870del, p.Ser1289fs (NM_001008844.3); c.4335_4338del, p.Ser1445fs (NM_001319034.2); short protein forms S1289fs, S1888fs, S1445fs.
Identifiers: ClinVar variation 1034083 (VCV001034083.7), dbSNP rs1759489644, ClinGen allele CA1608606548.
Genomic context (GRCh38, chr6:7,582,922, plus strand): 5'-GGAAGACTCAATATTCCCGCAAGGAGGAGGCTATTAGGAAGATAGAATCGGAAAGAGAAA[AGAGT>A]GAGAGAGAGAAGAACAGTCTTAGGAGTGAGATCGAAAGACTCCAAGCAGAGATCAAGAGA-3'

ClinVar aggregate classification (germline): Pathogenic/Likely pathogenic. Review status: criteria provided, multiple submitters, no conflicts (2 of 4 stars). 3 submissions from 3 submitters: Pathogenic (2); Likely pathogenic (1). Last evaluated 2026-09-10.

Conditions:
DSP-related disorder. Also called: DSP-related disorders; DSP-related condition.
Arrhythmogenic cardiomyopathy with wooly hair and keratoderma. Also called: Arrhythmogenic cardiomyopathy with woolly hair and keratoderma; Carvajal syndrome; Dilated cardiomyopathy with woolly hair and keratoderma; PALMOPLANTAR KERATODERMA WITH LEFT VENTRICULAR CARDIOMYOPATHY AND WOOLLY HAIR. Identifiers: Orphanet 65282, MedGen C1854063, MONDO:0011581, OMIM 605676.
Arrhythmogenic right ventricular dysplasia 8 (ARVD8). Also called: Arrhythmogenic Right Ventricular Dysplasia/Cardiomyopathy 8; ARRHYTHMOGENIC RIGHT VENTRICULAR DYSPLASIA, FAMILIAL, 8; ARRHYTHMOGENIC RIGHT VENTRICULAR CARDIOMYOPATHY 8. Identifiers: MedGen C1843896, MONDO:0011831, OMIM 607450.

Submissions (3):

PreventionGenetics, part of Exact Sciences
Classification: Likely pathogenic for DSP-related condition. Last evaluated: 2026-09-10. Review status: criteria provided, single submitter. Criteria: ACMG Guidelines, 2015. Collection method: clinical testing. Allele origin: germline.
Comment: The DSP c.5664_5667delTGAG variant is predicted to result in a frameshift and premature protein termination (p.Ser1888Argfs*40). To our knowledge, this variant has not been reported in the literature in individuals with DSP-related disorders or in a large population database (gnomAD), indicating this variant is rare. This variant resides in the large terminal exon of this gene, and it is unclear if the resulting mRNA would undergo nonsense-mediated decay. However, this variant is predicted to disrupt ~34% of the protein. Frameshift variants in DSP are expected to be pathogenic. This variant is interpreted as likely pathogenic.

Labcorp Genetics (formerly Invitae), Labcorp
Classification: Pathogenic for Arrhythmogenic cardiomyopathy with wooly hair and keratoderma; Arrhythmogenic right ventricular dysplasia 8. Last evaluated: 2025-12-20. Review status: criteria provided, single submitter. Criteria: Invitae Variant Classification Sherloc (09022015). Collection method: clinical testing. Allele origin: germline.
Comment: This sequence change creates a premature translational stop signal (p.Ser1888Argfs*40) in the DSP gene. While this is not anticipated to result in nonsense mediated decay, it is expected to disrupt the last 984 amino acid(s) of the DSP protein. This variant is not present in population databases (gnomAD no frequency). This premature translational stop signal has been observed in individual(s) with clinical features of DSP-related conditions (PMID: 36939041). ClinVar contains an entry for this variant (Variation ID: 1034083). This variant disrupts a region of the DSP protein in which other variant(s) (p.Glu2728Glyfs*11) have been determined to be pathogenic (internal data). This suggests that this is a clinically significant region of the protein, and that variants that disrupt it are likely to be disease-causing. For these reasons, this variant has been classified as Pathogenic.

Baylor Genetics
Classification: Pathogenic for Arrhythmogenic cardiomyopathy with wooly hair and keratoderma. Last evaluated: 2018-11-23. Review status: criteria provided, single submitter. Criteria: ACMG Guidelines, 2015. Collection method: clinical testing. Allele origin: unknown. Affected: yes.
Comment: This variant was determined to be pathogenic according to ACMG Guidelines, 2015 [PMID:25741868].

Literature cited by the submitters: PubMed 36939041 (cited by Labcorp Genetics (formerly Invitae), Labcorp).